The following is an entry in ClinVar:

ClinVar aggregate classification (germline): Uncertain significance (1 of 4 stars; one submission).

Conditions:
CREBBP-related disorder. Also called: CREBBP-related condition; CREBBP-related disorders.

Submission:

PreventionGenetics, part of Exact Sciences
Classification: Uncertain significance for CREBBP-related condition. Last evaluated: 2024-10-31. Review status: criteria provided, single submitter. Criteria: ACMG Guidelines, 2015. Collection method: clinical testing. Allele origin: germline.
Comment: The CREBBP c.3418C>G variant is predicted to result in the amino acid substitution p.Arg1140Gly. To our knowledge, this variant has not been reported in the literature or in a large population database (gnomAD), indicating this variant is rare. At this time, the clinical significance of this variant is uncertain due to the absence of conclusive functional and genetic evidence.

NM_004380.3(CREBBP):c.3418C>G (p.Arg1140Gly)

Gene: CREBBP (CREB binding lysine acetyltransferase; minus strand). Cytogenetic location: 16p13.3.
Variant type: single nucleotide variant.
Coding change: c.3418C>G on transcript NM_004380.3 (MANE Select); coding-DNA position 3418, C replaced by G.
Protein change: p.Arg1140Gly; replaces arginine 1140 with glycine.
Molecular consequence: missense variant.
Genome position (GRCh38, 1-based): chr16:3,758,000, G>C on the plus strand (C>G on the coding strand, the complement: CREBBP is on the minus strand). VCF-style: chr16-3758000-G-C. GRCh37 (hg19) VCF-style: chr16-3808001-G-C.
Other names: c.3304C>G, p.Arg1102Gly (NM_001079846.1); short protein forms R1140G, R1102G.
Identifiers: ClinVar variation 4997409 (VCV004997409.1).